The following is an entry in ClinVar:

NM_004380.3(CREBBP):c.6273A>G (p.Lys2091=)

Gene: CREBBP (CREB binding lysine acetyltransferase; minus strand). Cytogenetic location: 16p13.3.
Variant type: single nucleotide variant.
Coding change: c.6273A>G on transcript NM_004380.3 (MANE Select); coding-DNA position 6273, A replaced by G.
Protein change: p.Lys2091=; no amino-acid change (lysine 2091 retained).
Molecular consequence: synonymous variant.
Genome position (GRCh38, 1-based): chr16:3,728,774, T>C on the plus strand (A>G on the coding strand, the complement: CREBBP is on the minus strand). VCF-style: chr16-3728774-T-C. GRCh37 (hg19) VCF-style: chr16-3778775-T-C.
Other names: c.6159A>G, p.Lys2053= (NM_001079846.1); c.6273A>G (NM_004380.2).
Identifiers: ClinVar variation 2191284 (VCV002191284.5), dbSNP rs2151305024, ClinGen allele CA493393657.

ClinVar aggregate classification (germline): Likely benign. Review status: criteria provided, single submitter (1 of 4 stars). 2 submissions from 2 submitters: Likely benign (1). 1 of the submissions does not count toward it. Last evaluated 2022-08-09.

Conditions:
CREBBP-related disorder. Also called: CREBBP-related condition; CREBBP-related disorders.
Rubinstein-Taybi syndrome (RSTS). Identifiers: Orphanet 783, MedGen C0035934, MONDO:0019188.

Submissions (2):

Labcorp Genetics (formerly Invitae), Labcorp
Classification: Likely benign for Rubinstein-Taybi syndrome. Last evaluated: 2022-08-09. Review status: criteria provided, single submitter. Criteria: Invitae Variant Classification Sherloc (09022015). Collection method: clinical testing. Allele origin: germline.

PreventionGenetics, part of Exact Sciences
Classification: Likely benign for CREBBP-related condition. Last evaluated: 2021-08-31. Review status: no assertion criteria provided. Collection method: clinical testing. Allele origin: germline. Not counted in ClinVar's aggregate classification.
Comment: This variant is classified as likely benign based on ACMG/AMP sequence variant interpretation guidelines (Richards et al. 2015 PMID: 25741868, with internal and published modifications).